The following is an entry in ClinVar:

ClinVar aggregate classification (germline): Uncertain significance (1 of 4 stars; one submission).

Conditions:
KIDINS220-related disorder. Also called: KIDINS220-related condition.

Submission:

PreventionGenetics, part of Exact Sciences
Classification: Uncertain significance for KIDINS220-related condition. Last evaluated: 2026-07-23. Review status: criteria provided, single submitter. Criteria: ACMG Guidelines, 2015. Collection method: clinical testing. Allele origin: germline.
Comment: The KIDINS220 c.5192G>A variant is predicted to result in the amino acid substitution p.Ser1731Asn. To our knowledge, this variant has not been reported in the literature. This variant is reported in 0.00088% of alleles in individuals of European (Non-Finnish) descent in gnomAD. At this time, the clinical significance of this variant is uncertain due to the absence of conclusive functional and genetic evidence.

NM_020738.4(KIDINS220):c.5192G>A (p.Ser1731Asn)

Gene: KIDINS220 (kinase D interacting substrate 220; minus strand). Cytogenetic location: 2p25.1.
Variant type: single nucleotide variant.
Coding change: c.5192G>A on transcript NM_020738.4 (MANE Select); coding-DNA position 5192, G replaced by A.
Protein change: p.Ser1731Asn; replaces serine 1731 with asparagine.
Molecular consequence: missense variant. On other transcripts: intron variant (6).
Genome position (GRCh38, 1-based): chr2:8,730,844, C>T on the plus strand (G>A on the coding strand, the complement: KIDINS220 is on the minus strand). VCF-style: chr2-8730844-C-T. GRCh37 (hg19) VCF-style: chr2-8870974-C-T.
Other names: c.5195G>A, p.Ser1732Asn (NM_001348729.2); c.5138G>A, p.Ser1713Asn (NM_001348731.2); c.5135G>A, p.Ser1712Asn (NM_001348732.2); c.5024G>A, p.Ser1675Asn (NM_001348734.2); c.5021G>A, p.Ser1674Asn (NM_001348735.2); c.4895G>A, p.Ser1632Asn (NM_001348736.2); c.3882+2600G>A (NM_001348741.2, NM_001348742.2, NM_001348743.2); c.3996+2600G>A (NM_001348738.2); and 1 more; short protein forms S1732N, S1632N, S1674N, S1675N, S1712N, S1713N, S1731N.
Identifiers: ClinVar variation 4982462 (VCV004982462.1).